The following is an entry in ClinVar:

ClinVar aggregate classification (germline): Uncertain significance. Review status: criteria provided, multiple submitters, no conflicts (2 of 4 stars). 2 submissions from 2 submitters: Uncertain significance (2). Last evaluated 2025-08-29.

Conditions:
Familial focal epilepsy with variable foci (FPEVF). Identifiers: Orphanet 98820, MedGen C1858477, MONDO:0020310.

Allele frequency attached by ClinVar (database versions not stated): ExAC 0.00001; gnomAD 0.00001 and 0.00002; gnomAD exomes 0.00001; TOPMed 0.00003.
gnomAD v4.1: 11 of 1,613,794 alleles (0.00068%); highest among the groups gnomAD compares: African/African-American, 0.0013%; no homozygotes.

Submissions (2):

Labcorp Genetics (formerly Invitae), Labcorp
Classification: Uncertain significance for Familial focal epilepsy with variable foci. Last evaluated: 2025-08-29. Review status: criteria provided, single submitter. Criteria: Invitae Variant Classification Sherloc (09022015). Collection method: clinical testing. Allele origin: germline.
Comment: This sequence change replaces serine, which is neutral and polar, with glycine, which is neutral and non-polar, at codon 1532 of the DEPDC5 protein (p.Ser1532Gly). This variant is present in population databases (rs752046892, gnomAD 0.002%). This variant has not been reported in the literature in individuals affected with DEPDC5-related conditions. ClinVar contains an entry for this variant (Variation ID: 372819). Experimental studies and prediction algorithms are not available or were not evaluated, and the functional significance of this variant is currently unknown. In summary, the available evidence is currently insufficient to determine the role of this variant in disease. Therefore, it has been classified as a Variant of Uncertain Significance.

GeneDx
Classification: Uncertain significance. Last evaluated: 2016-10-12. Review status: criteria provided, single submitter. Criteria: GeneDx Variant Classification (06012015). Collection method: clinical testing. Allele origin: germline. Affected: yes.
Comment: The S1532G variant in the DEPDC5 gene has not been reported previously as a pathogenic variant, nor as a benign variant, to our knowledge. The S1532G variant is not observed at a significant frequency in large population cohorts (Lek et al., 2016; 1000 Genomes Consortium et al., 2015; Exome Variant Server). The S1532G variant is a non-conservative amino acid substitution, which is likely to impact secondary protein structure as these residues differ in polarity, charge, size and/or other properties. This substitution occurs at a position where amino acids with similar properties to Serine are tolerated across species, and in silico analysis is inconsistent in its predictions as to whether or not the variant is damaging to the protein structure/function. We interpret S1532G as a variant of uncertain significance.

NM_001242896.3(DEPDC5):c.4594A>G (p.Ser1532Gly)

Gene: DEPDC5 (DEP domain containing 5, GATOR1 subcomplex subunit; plus strand). Cytogenetic location: 22q12.3.
Variant type: single nucleotide variant.
Coding change: c.4594A>G on transcript NM_001242896.3 (MANE Select); coding-DNA position 4594, A replaced by G.
Protein change: p.Ser1532Gly; replaces serine 1532 with glycine.
Molecular consequence: missense variant. On other transcripts: non-coding transcript variant (5).
Genome position (GRCh38, 1-based): chr22:31,906,279, A>G. VCF-style: chr22-31906279-A-G. GRCh37 (hg19) VCF-style: chr22-32302265-A-G.
Other names: c.4567A>G, p.Ser1523Gly (NM_001136029.4); c.4294A>G, p.Ser1432Gly (NM_001242897.2); c.4528A>G, p.Ser1510Gly (NM_001363852.2, NM_001364320.2); c.4360A>G, p.Ser1454Gly (NM_001363854.2, NM_001364319.2); c.4594A>G, p.Ser1532Gly (NM_001364318.2); c.4510A>G, p.Ser1504Gly (NM_001369901.1, NM_001369902.1); c.4501A>G, p.Ser1501Gly (NM_001369903.1, NM_014662.6); short protein forms S1432G, S1532G, S1454G, S1504G, S1501G, S1510G, S1523G.
Identifiers: ClinVar variation 372819 (VCV000372819.10), dbSNP rs752046892, ClinGen allele CA10197295.